The following is an entry in ClinVar:

NM_000718.4(CACNA1B):c.5473A>C (p.Ile1825Leu)

Gene: CACNA1B (calcium voltage-gated channel subunit alpha1 B; plus strand). Cytogenetic location: 9q34.3.
Variant type: single nucleotide variant.
Coding change: c.5473A>C on transcript NM_000718.4 (MANE Select); coding-DNA position 5473, A replaced by C.
Protein change: p.Ile1825Leu; replaces isoleucine 1825 with leucine.
Molecular consequence: missense variant.
Genome position (GRCh38, 1-based): chr9:138,112,442, A>C. VCF-style: chr9-138112442-A-C. GRCh37 (hg19) VCF-style: chr9-141006894-A-C.
Other names: c.5473A>C, p.Ile1825Leu (NM_001243812.2); short protein forms I1825L.
Identifiers: ClinVar variation 3777525 (VCV003777525.1).

ClinVar aggregate classification (germline): Uncertain significance (1 of 4 stars; one submission).

gnomAD v4.1: 1 of 1,613,664 alleles (0.000062%); highest among the groups gnomAD compares: Non-Finnish European, 0.000085%; no homozygotes.

Submission:

GeneDx
Classification: Uncertain significance. Last evaluated: 2024-10-11. Review status: criteria provided, single submitter. Criteria: GeneDx Variant Classification Process June 2021. Collection method: clinical testing. Allele origin: germline. Affected: yes.
Comment: Not observed at significant frequency in large population cohorts (gnomAD); In silico analysis indicates that this missense variant does not alter protein structure/function; Has not been previously published as pathogenic or benign to our knowledge